The following is an entry in ClinVar:

NM_013275.6(ANKRD11):c.5962C>T (p.Pro1988Ser)

Gene: ANKRD11 (ankyrin repeat domain 11; minus strand). Cytogenetic location: 16q24.3.
Variant type: single nucleotide variant.
Coding change: c.5962C>T on transcript NM_013275.6 (MANE Select); coding-DNA position 5962, C replaced by T.
Protein change: p.Pro1988Ser; replaces proline 1988 with serine.
Molecular consequence: missense variant.
Genome position (GRCh38, 1-based): chr16:89,280,580, G>A on the plus strand (C>T on the coding strand, the complement: ANKRD11 is on the minus strand). VCF-style: chr16-89280580-G-A. GRCh37 (hg19) VCF-style: chr16-89346988-G-A.
Other names: c.5962C>T, p.Pro1988Ser (NM_001256182.2, NM_001256183.2); short protein forms P1988S.
Identifiers: ClinVar variation 589131 (VCV000589131.7), dbSNP rs534220503, ClinGen allele CA8241658.

ClinVar aggregate classification (germline): Uncertain significance. Review status: criteria provided, multiple submitters, no conflicts (2 of 4 stars). 2 submissions from 2 submitters: Uncertain significance (2). Last evaluated 2024-09-04.

Conditions:
Inborn genetic diseases. Identifiers: MedGen C0950123, MeSH D030342.
KBG syndrome (KBGS). Also called: ANKRD11-Related KBG Syndrome. Identifiers: Orphanet 2332, MedGen C0220687, MONDO:0007846, OMIM 148050.

Allele frequency attached by ClinVar (database versions not stated): TOPMed below 0.00001; gnomAD 0.00001; 1000 Genomes Project 30x 0.00016; 1000 Genomes Project 0.00020.
gnomAD v4.1: 3 of 1,613,458 alleles (0.00019%); highest among the groups gnomAD compares: Admixed American, 0.0033%; no homozygotes.

Submissions (2):

Labcorp Genetics (formerly Invitae), Labcorp
Classification: Uncertain significance for KBG syndrome. Last evaluated: 2024-09-04. Review status: criteria provided, single submitter. Criteria: Invitae Variant Classification Sherloc (09022015). Collection method: clinical testing. Allele origin: germline.
Comment: This sequence change replaces proline, which is neutral and non-polar, with serine, which is neutral and polar, at codon 1988 of the ANKRD11 protein (p.Pro1988Ser). This variant is present in population databases (rs534220503, gnomAD 0.006%). This variant has not been reported in the literature in individuals affected with ANKRD11-related conditions. ClinVar contains an entry for this variant (Variation ID: 589131). Invitae Evidence Modeling of protein sequence and biophysical properties (such as structural, functional, and spatial information, amino acid conservation, physicochemical variation, residue mobility, and thermodynamic stability) indicates that this missense variant is not expected to disrupt ANKRD11 protein function with a negative predictive value of 95%. In summary, the available evidence is currently insufficient to determine the role of this variant in disease. Therefore, it has been classified as a Variant of Uncertain Significance.

Ambry Genetics
Classification: Uncertain significance for Inborn genetic diseases. Last evaluated: 2017-05-28. Review status: criteria provided, single submitter. Criteria: Ambry Variant Classification Scheme 2023. Collection method: clinical testing. Allele origin: germline.
Comment: The p.P1988S variant (also known as c.5962C>T), located in coding exon 7 of the ANKRD11 gene, results from a C to T substitution at nucleotide position 5962. The proline at codon 1988 is replaced by serine, an amino acid with similar properties. This amino acid position is poorly conserved in available vertebrate species. In addition, this alteration is predicted to be tolerated by in silico analysis. Since supporting evidence is limited at this time, the clinical significance of this alteration remains unclear.